The following is an entry in ClinVar:

ClinVar aggregate classification (germline): Uncertain significance (1 of 4 stars; one submission).

Submission:

Labcorp Genetics (formerly Invitae), Labcorp
Classification: Uncertain significance. Last evaluated: 2025-03-17. Review status: criteria provided, single submitter. Criteria: Invitae Variant Classification Sherloc (09022015). Collection method: clinical testing. Allele origin: germline.
Comment: This variant, c.3475_3477del, results in the deletion of 1 amino acid(s) of the SNRNP200 protein (p.Asn1159del), but otherwise preserves the integrity of the reading frame. This variant is present in population databases (no rsID available, gnomAD 0.007%). This variant has not been reported in the literature in individuals affected with SNRNP200-related conditions. ClinVar contains an entry for this variant (Variation ID: 2103285). Experimental studies and prediction algorithms are not available or were not evaluated, and the functional significance of this variant is currently unknown. In summary, the available evidence is currently insufficient to determine the role of this variant in disease. Therefore, it has been classified as a Variant of Uncertain Significance.

NM_014014.5(SNRNP200):c.3475_3477del (p.Asn1159del)

Gene: SNRNP200 (small nuclear ribonucleoprotein U5 subunit 200; minus strand). Cytogenetic location: 2q11.2.
Variant type: Deletion.
Coding change: c.3475_3477del on transcript NM_014014.5 (MANE Select); coding-DNA positions 3475 to 3477, 3 bases deleted (AAT; older notation c.3475_3477delAAT).
Protein change: p.Asn1159del; deletes asparagine 1159.
Molecular consequence: inframe deletion.
Genome position (GRCh38, 1-based): chr2:96,287,446-96,287,448, ATT deleted on the plus strand (AAT on the coding strand, the reverse complement: SNRNP200 is on the minus strand); deleting any 3 consecutive bases within chr2:96,287,446-96,287,450 gives the same sequence; the c. name uses the placement nearest the transcript's 3' end. VCF-style (leftmost placement, unchanged base first): chr2-96287445-CATT-C. GRCh37 (hg19) VCF-style: chr2-96953183-CATT-C.
Other names: short protein forms N1159del.
Identifiers: ClinVar variation 2103285 (VCV002103285.4), dbSNP rs1278166351, ClinGen allele CA534635326.